The following is an entry in ClinVar:

ClinVar aggregate classification (germline): Uncertain significance (1 of 4 stars; one submission).

Conditions:
Gorlin syndrome. Also called: Nevoid Basal Cell Carcinoma Syndrome; Basal cell nevus syndrome. Identifiers: Orphanet 377, MedGen C0004779, MONDO:0007187.

Submission:

Labcorp Genetics (formerly Invitae), Labcorp
Classification: Uncertain significance for Gorlin syndrome. Last evaluated: 2022-06-14. Review status: criteria provided, single submitter. Criteria: Invitae Variant Classification Sherloc (09022015). Collection method: clinical testing. Allele origin: germline.
Comment: In summary, the available evidence is currently insufficient to determine the role of this variant in disease. Therefore, it has been classified as a Variant of Uncertain Significance. Advanced modeling of protein sequence and biophysical properties (such as structural, functional, and spatial information, amino acid conservation, physicochemical variation, residue mobility, and thermodynamic stability) performed at Invitae indicates that this missense variant is expected to disrupt PTCH1 protein function. This variant has not been reported in the literature in individuals affected with PTCH1-related conditions. This variant is not present in population databases (gnomAD no frequency). This sequence change replaces glycine, which is neutral and non-polar, with alanine, which is neutral and non-polar, at codon 91 of the PTCH1 protein (p.Gly91Ala).

NM_000264.5(PTCH1):c.272G>C (p.Gly91Ala)

Gene: PTCH1 (patched 1; minus strand). Cytogenetic location: 9q22.32.
Variant type: single nucleotide variant.
Coding change: c.272G>C on transcript NM_000264.5 (MANE Select); coding-DNA position 272, G replaced by C.
Protein change: p.Gly91Ala; replaces glycine 91 with alanine.
Molecular consequence: missense variant. On other transcripts: 5 prime UTR variant (4), non-coding transcript variant (1).
Genome position (GRCh38, 1-based): chr9:95,506,529, C>G on the plus strand (G>C on the coding strand, the complement: PTCH1 is on the minus strand). VCF-style: chr9-95506529-C-G. GRCh37 (hg19) VCF-style: chr9-98268811-C-G.
Other names: c.74G>C, p.Gly25Ala (NM_001083602.3, NM_001354919.2); c.269G>C, p.Gly90Ala (NM_001083603.3); c.-182G>C (NM_001083604.3, NM_001083605.3, NM_001083606.3 and 1 more transcripts); c.272G>C, p.Gly91Ala (NM_001354918.2); short protein forms G25A, G90A, G91A.
Identifiers: ClinVar variation 2006673 (VCV002006673.4), dbSNP rs2118879118, ClinGen allele CA374120418.